The following is an entry in ClinVar:

ClinVar aggregate classification (germline): Pathogenic. Review status: criteria provided, multiple submitters, no conflicts (2 of 4 stars). 3 submissions from 3 submitters: Pathogenic (3). Last evaluated 2025-05-08.

Conditions:
Retinitis pigmentosa 39 (RP39). Identifiers: Orphanet 791, MedGen C3151138, MONDO:0013436, OMIM 613809.
Usher syndrome type 2A. Also called: RETINAL DISEASE IN USHER SYNDROME TYPE IIA, MODIFIER OF; USHER SYNDROME, TYPE IIA. Identifiers: Orphanet 231178, Orphanet 886, MedGen C1848634, MONDO:0010169, OMIM 276901.

Submissions (3):

Natera, Inc.
Classification: Pathogenic for Usher syndrome type 2A. Last evaluated: 2025-05-08. Review status: criteria provided, single submitter. Criteria: Natera Variant Classification Schema (03/2026). Collection method: clinical testing. Allele origin: germline.
Comment: The c.12394del variant in USH2A is a frameshift variant predicted to shift the reading frame beginning at codon 4132 and leads to a stop codon 35 codons downstream. This variant is expected to result in nonsense mediated decay, truncation, or a dysfunctional protein product. This variant is rare in the general population with a frequency below the threshold expected for the associated phenotype(s). This variant has been observed in one or more individuals affected with the associated recessive disease, as either homozygous or compound heterozygous with a second variant (PMID: 34148116). Given the available evidence, this variant is classified as Pathogenic.

Baylor Genetics
Classification: Pathogenic for Retinitis pigmentosa 39. Last evaluated: 2023-01-04. Review status: criteria provided, single submitter. Criteria: ACMG Guidelines, 2015. Collection method: clinical testing. Allele origin: unknown.

Labcorp Genetics (formerly Invitae), Labcorp
Classification: Pathogenic. Last evaluated: 2022-08-09. Review status: criteria provided, single submitter. Criteria: Invitae Variant Classification Sherloc (09022015). Collection method: clinical testing. Allele origin: germline.
Comment: This premature translational stop signal has been observed in individual(s) with clinical features of USH2A-related conditions (PMID: 26445815, 26927203). For these reasons, this variant has been classified as Pathogenic. This sequence change creates a premature translational stop signal (p.Leu4132Trpfs*35) in the USH2A gene. It is expected to result in an absent or disrupted protein product. Loss-of-function variants in USH2A are known to be pathogenic (PMID: 10729113, 10909849, 20507924, 25649381). This variant is not present in population databases (gnomAD no frequency).

Literature cited by the submitters: PubMed 34148116 (cited by Natera, Inc.); PubMed 26445815 (cited by Labcorp Genetics (formerly Invitae), Labcorp); PubMed 26927203 (cited by Labcorp Genetics (formerly Invitae), Labcorp); PubMed 10729113 (cited by Labcorp Genetics (formerly Invitae), Labcorp); PubMed 10909849 (cited by Labcorp Genetics (formerly Invitae), Labcorp); PubMed 20507924 (cited by Labcorp Genetics (formerly Invitae), Labcorp); PubMed 25649381 (cited by Labcorp Genetics (formerly Invitae), Labcorp).

NM_206933.4(USH2A):c.12394del (p.Leu4132fs)

Gene: USH2A (usherin; minus strand). Cytogenetic location: 1q41.
Variant type: Deletion.
Coding change: c.12394del on transcript NM_206933.4 (MANE Select); coding-DNA position 12394, one base deleted (C; older notation c.12394delC).
Protein change: p.Leu4132fs; shifts the reading frame from leucine 4132.
Molecular consequence: frameshift variant.
Genome position (GRCh38, 1-based): chr1:215,675,517, G deleted on the plus strand (C on the coding strand, the reverse complement: USH2A is on the minus strand); the first of 3 consecutive G bases (chr1:215,675,517-215,675,519); deleting any one gives the same sequence. VCF-style (leftmost placement, unchanged base first): chr1-215675516-AG-A. GRCh37 (hg19) VCF-style: chr1-215848858-AG-A.
Other names: short protein forms L4132fs.
Identifiers: ClinVar variation 560532 (VCV000560532.8), dbSNP rs1558049084, ClinGen allele CA658822646.